The following is an entry in ClinVar:

ClinVar aggregate classification (germline): Likely benign. Review status: criteria provided, multiple submitters, no conflicts (2 of 4 stars). 2 submissions from 2 submitters: Likely benign (2). Last evaluated 2025-08-01.

Conditions:
Early-infantile DEE. Also called: Early infantile epileptic encephalopathy; Ohtahara syndrome; Early infantile epileptic encephalopathy with suppression bursts. Identifiers: Orphanet 1934, MedGen C0393706, MONDO:0800491.

Allele frequency attached by ClinVar (database versions not stated): gnomAD exomes 0.00002 and below 0.00001; TOPMed below 0.00001; ExAC 0.00001.
gnomAD v4.1: 23 of 1,613,300 alleles (0.0014%); highest among the groups gnomAD compares: Non-Finnish European, 0.0019%; no homozygotes.

Submissions (2):

CeGaT Center for Human Genetics Tuebingen
Classification: Likely benign. Last evaluated: 2025-08-01. Review status: criteria provided, single submitter. Criteria: CeGaT Center For Human Genetics Tuebingen Variant Classification Criteria Version 2. Collection method: clinical testing. Allele origin: germline. Affected: yes. Observed: 1 variant allele.
Comment: SPTAN1: BP4, BP7

Labcorp Genetics (formerly Invitae), Labcorp
Classification: Likely benign for Early-infantile DEE. Last evaluated: 2022-09-30. Review status: criteria provided, single submitter. Criteria: Invitae Variant Classification Sherloc (09022015). Collection method: clinical testing. Allele origin: germline.

NM_001130438.3(SPTAN1):c.2733C>T (p.Pro911=)

Gene: SPTAN1 (spectrin alpha, non-erythrocytic 1; plus strand). Cytogenetic location: 9q34.11.
Variant type: single nucleotide variant.
Coding change: c.2733C>T on transcript NM_001130438.3 (MANE Select); coding-DNA position 2733, C replaced by T.
Protein change: p.Pro911=; no amino-acid change (proline 911 retained).
Molecular consequence: synonymous variant.
Genome position (GRCh38, 1-based): chr9:128,585,920, C>T. VCF-style: chr9-128585920-C-T. GRCh37 (hg19) VCF-style: chr9-131348199-C-T.
Other names: c.2733C>T, p.Pro911= (NM_001195532.2, NM_001363759.2, NM_001363765.2 and 5 more transcripts); c.2769C>T, p.Pro923= (NM_001375312.2, NM_001375318.1).
Identifiers: ClinVar variation 1098994 (VCV001098994.18), dbSNP rs768756536, ClinGen allele CA5264701.